The following is an entry in ClinVar:

NM_000089.4(COL1A2):c.1535_1543dup (p.His512_Gly514dup)

Gene: COL1A2 (collagen type I alpha 2 chain; plus strand). Cytogenetic location: 7q21.3.
Variant type: Duplication.
Coding change: c.1535_1543dup on transcript NM_000089.4 (MANE Select); coding-DNA positions 1535 to 1543, 9 bases duplicated (ATGCTGGTC; older notation c.1535_1543dupATGCTGGTC).
Protein change: p.His512_Gly514dup.
Molecular consequence: inframe insertion.
Genome position (GRCh38, 1-based): chr7:94,413,114-94,413,122, ATGCTGGTC duplicated; duplicating any 9 consecutive bases within chr7:94,413,110-94,413,122 gives the same sequence; the c. name uses the placement nearest the transcript's 3' end. VCF-style (leftmost placement, unchanged base first): chr7-94413109-A-AGGTCATGCT. GRCh37 (hg19) VCF-style: chr7-94042421-A-AGGTCATGCT.
Identifiers: ClinVar variation 949902 (VCV000949902.11), dbSNP rs1791961847, ClinGen allele CA1139659915.

ClinVar aggregate classification (germline): Uncertain significance (1 of 4 stars; one submission).

Conditions:
Osteogenesis imperfecta type I (OI1). Also called: Lobstein's Disease; OI, TYPE I; OSTEOGENESIS IMPERFECTA TARDA; OSTEOGENESIS IMPERFECTA WITH BLUE SCLERAE; Osteogenesis imperfecta type 1; Lobstein disease. Identifiers: Orphanet 216796, Orphanet 666, MedGen C0023931, MONDO:0008146, OMIM 166200. Disease mechanism: loss of function.
Ehlers-Danlos syndrome, classic type, 1 (EDSCL1). Also called: Ehlers-Danlos syndrome, type 1; EHLERS-DANLOS SYNDROME, GRAVIS TYPE; EHLERS-DANLOS SYNDROME, SEVERE CLASSIC TYPE; EDS I; Ehlers-Danlos Syndrome, Classic Type, COL5A1-Related. Identifiers: MedGen C0268335, MONDO:0019567, OMIM 130000.

Submission:

Labcorp Genetics (formerly Invitae), Labcorp
Classification: Uncertain significance for Osteogenesis imperfecta type I; Ehlers-Danlos syndrome, classic type, 1. Last evaluated: 2019-07-15. Review status: criteria provided, single submitter. Criteria: Invitae Variant Classification Sherloc (09022015). Collection method: clinical testing. Allele origin: germline.
Comment: Experimental studies and prediction algorithms are not available or were not evaluated for this variant, and the functional significance of the affected amino acid(s) is currently unknown. This variant, c.1535_1543dup, results in the insertion of 3 amino acid(s) to the COL1A2 protein (p.His512_Gly514dup), but otherwise preserves the integrity of the reading frame. This variant is not present in population databases (ExAC no frequency). This variant has not been reported in the literature in individuals with COL1A2-related conditions. In summary, the available evidence is currently insufficient to determine the role of this variant in disease. Therefore, it has been classified as a Variant of Uncertain Significance.